The following is an entry in ClinVar:

NC_000023.10:g.(?_114844563)_(114883881_?)dup

Gene: PLS3 (plastin 3; plus strand). Cytogenetic location: Xq23.
Variant type: Duplication.
Identifiers: ClinVar variation 3246685 (VCV003246685.1).

ClinVar aggregate classification (germline): Uncertain significance (1 of 4 stars; one submission).

Submission:

Labcorp Genetics (formerly Invitae), Labcorp
Classification: Uncertain significance. Last evaluated: 2023-10-03. Review status: criteria provided, single submitter. Criteria: Invitae Variant Classification Sherloc (09022015). Collection method: clinical testing. Allele origin: unknown.
Comment: A copy number gain of the genomic region encompassing the full coding sequence of the PLS3 gene has been identified. The boundaries of this event are unknown as they extend beyond the assayed region for this gene and therefore may encompass additional genes. As the precise location of this event is unknown, it may be in tandem or it may be located elsewhere in the genome. This variant has not been reported in the literature in individuals affected with PLS3-related conditions. In summary, the available evidence is currently insufficient to determine the role of this variant in disease. Therefore, it has been classified as a Variant of Uncertain Significance.